The following is an entry in ClinVar:

ClinVar aggregate classification (germline): Uncertain significance. Review status: criteria provided, multiple submitters, no conflicts (2 of 4 stars). 6 submissions from 6 submitters: Uncertain significance (5). 1 of the submissions does not count toward it. Last evaluated 2025-02-11.

Conditions:
Aortic aneurysm, familial thoracic 4 (AAT4). Also called: AORTIC ANEURYSM/AORTIC DISSECTION AND PATENT DUCTUS ARTERIOSUS. Identifiers: MedGen C1851504, MONDO:0007568, OMIM 132900.
Visceral myopathy 2. Identifiers: MedGen C5543466, MONDO:0859157, OMIM 619350.
Megacystis-microcolon-intestinal hypoperistalsis syndrome 2. Identifiers: MedGen C5543476, MONDO:0025708, OMIM 619351.
MYH11-related disorder. Also called: MYH11-related condition.
Familial thoracic aortic aneurysm and aortic dissection (TAAD). Also called: Thoracic aortic aneurysms and dissections. Identifiers: Orphanet 91387, MedGen C4707243, MONDO:0019625.

Allele frequency attached by ClinVar (database versions not stated): gnomAD 0.00010 and 0.00011; TOPMed 0.00010.
gnomAD v4.1: 23 of 1,613,914 alleles (0.0014%); highest among the groups gnomAD compares: African/African-American, 0.031%; no homozygotes.

Submissions (6):

Labcorp Genetics (formerly Invitae), Labcorp
Classification: Uncertain significance for Aortic aneurysm, familial thoracic 4. Last evaluated: 2025-02-11. Review status: criteria provided, single submitter. Criteria: Invitae Variant Classification Sherloc (09022015). Collection method: clinical testing. Allele origin: germline.
Comment: This sequence change replaces aspartic acid, which is acidic and polar, with glutamic acid, which is acidic and polar, at codon 1073 of the MYH11 protein (p.Asp1073Glu). This variant is present in population databases (rs757270167, gnomAD 0.03%). This variant has not been reported in the literature in individuals affected with MYH11-related conditions. ClinVar contains an entry for this variant (Variation ID: 405464). Invitae Evidence Modeling of protein sequence and biophysical properties (such as structural, functional, and spatial information, amino acid conservation, physicochemical variation, residue mobility, and thermodynamic stability) indicates that this missense variant is not expected to disrupt MYH11 protein function with a negative predictive value of 95%. In summary, the available evidence is currently insufficient to determine the role of this variant in disease. Therefore, it has been classified as a Variant of Uncertain Significance.

Color Diagnostics, LLC DBA Color Health
Classification: Uncertain significance for Familial thoracic aortic aneurysm and aortic dissection. Last evaluated: 2024-07-30. Review status: criteria provided, single submitter. Criteria: ACMG Guidelines, 2015. Collection method: clinical testing. Allele origin: germline.
Comment: This missense variant replaces aspartic acid with glutamic acid at codon 1073 of the MYH11 protein. Computational prediction is inconclusive regarding the impact of this variant on protein structure and function. To our knowledge, functional studies have not been reported for this variant. This variant has not been reported in individuals affected with MYH11-related disorders in the literature. This variant has been identified in 7/282748 chromosomes in the general population by the Genome Aggregation Database (gnomAD). The available evidence is insufficient to determine the role of this variant in disease conclusively. Therefore, this variant is classified as a Variant of Uncertain Significance.

CHEO Genetics Diagnostic Laboratory, Children's Hospital of Eastern Ontario
Classification: Uncertain significance for Familial thoracic aortic aneurysm and aortic dissection. Last evaluated: 2022-07-19. Review status: criteria provided, single submitter. Criteria: ACMG Guidelines, 2015. Collection method: clinical testing. Allele origin: germline. Study: Canadian Open Genetics Repository.

Ambry Genetics
Classification: Uncertain significance for Familial thoracic aortic aneurysm and aortic dissection. Last evaluated: 2022-02-04. Review status: criteria provided, single submitter. Criteria: Ambry Variant Classification Scheme 2023. Collection method: clinical testing. Allele origin: germline.
Comment: The p.D1066E variant (also known as c.3198C>G), located in coding exon 24 of the MYH11 gene, results from a C to G substitution at nucleotide position 3198. The aspartic acid at codon 1066 is replaced by glutamic acid, an amino acid with highly similar properties. This amino acid position is conserved. In addition, the in silico prediction for this alteration is inconclusive. Since supporting evidence is limited at this time, the clinical significance of this alteration remains unclear.

Fulgent Genetics
Classification: Uncertain significance for Aortic aneurysm, familial thoracic 4; Visceral myopathy 2; Megacystis-microcolon-intestinal hypoperistalsis syndrome 2. Last evaluated: 2021-10-15. Review status: criteria provided, single submitter. Criteria: ACMG Guidelines, 2015. Collection method: clinical testing. Allele origin: unknown.

PreventionGenetics, part of Exact Sciences
Classification: Uncertain significance for MYH11-related condition. Last evaluated: 2024-05-08. Review status: no assertion criteria provided. Collection method: clinical testing. Allele origin: germline. Not counted in ClinVar's aggregate classification.
Comment: The MYH11 c.3219C>G variant is predicted to result in the amino acid substitution p.Asp1073Glu. To our knowledge, this variant has not been reported in the literature. This variant is reported in 0.028% of alleles in individuals of African descent in gnomAD. At this time, the clinical significance of this variant is uncertain due to the absence of conclusive functional and genetic evidence.

NM_002474.3(MYH11):c.3198C>G (p.Asp1066Glu)

Gene: MYH11 (myosin heavy chain 11; minus strand). Cytogenetic location: 16p13.11.
Variant type: single nucleotide variant.
Coding change: c.3198C>G on transcript NM_002474.3 (MANE Select); coding-DNA position 3198, C replaced by G.
Protein change: p.Asp1066Glu; replaces aspartic acid 1066 with glutamic acid.
Molecular consequence: missense variant.
Genome position (GRCh38, 1-based): chr16:15,737,544, G>C on the plus strand (C>G on the coding strand, the complement: MYH11 is on the minus strand). VCF-style: chr16-15737544-G-C. GRCh37 (hg19) VCF-style: chr16-15831401-G-C.
Other names: c.3219C>G, p.Asp1073Glu (NM_001040113.2, NM_001040114.2); c.3198C>G, p.Asp1066Glu (NM_022844.3); short protein forms D1073E, D1066E.
Identifiers: ClinVar variation 405464 (VCV000405464.14), dbSNP rs757270167, ClinGen allele CA7922064.
Genomic context (GRCh38, chr16:15,737,544, plus strand): 5'-GGCCAGCTGCATCTTGAGCTCTGCGATCTGCGCCTGGAGGTCAGCGATCTGCTCGTGGAA[G>C]TCGCTGGCATCACCCTCCAGCTTCCGTTTCAGCTTCTCCAGCTCCTGTCGGCTCTTCTCT-3'
Protein context (NP_002465.1, residues 1056-1076): LKRKLEGDAS[Asp1066Glu]FHEQIADLQA